The following is an entry in ClinVar:

ClinVar aggregate classification (germline): Benign. Review status: criteria provided, multiple submitters, no conflicts (2 of 4 stars). 8 submissions from 8 submitters: Benign (5). 3 of the submissions do not count toward it. Last evaluated 2026-02-03.

Conditions:
Niemann-Pick disease, type C1. Also called: NIEMANN-PICK DISEASE, VARIANT TYPE C1; NEUROVISCERAL STORAGE DISEASE WITH VERTICAL SUPRANUCLEAR OPHTHALMOPLEGIA; NIEMANN-PICK DISEASE WITH CHOLESTEROL ESTERIFICATION BLOCK; NIEMANN-PICK DISEASE WITHOUT SPHINGOMYELINASE DEFICIENCY; NIEMANN-PICK DISEASE, CHRONIC NEURONOPATHIC FORM. Identifiers: Orphanet 646, MedGen C3179455, MONDO:0009757, OMIM 257220.

Allele frequency attached by ClinVar (database versions not stated): TOPMed 0.01256; 1000 Genomes Project 0.01258; 1000 Genomes Project 30x 0.01265; ESP Exome Variant Server 0.01384.
gnomAD v4.1: 4,014 of 1,614,068 alleles (0.25%); highest among the groups gnomAD compares: African/African-American, 3.9%; 67 homozygotes.

Submissions (8):

Labcorp Genetics (formerly Invitae), Labcorp
Classification: Benign for Niemann-Pick disease, type C1. Last evaluated: 2026-02-03. Review status: criteria provided, single submitter. Criteria: Invitae Variant Classification Sherloc (09022015). Collection method: clinical testing. Allele origin: germline.

Mayo Clinic Laboratories, Mayo Clinic
Classification: Benign. Last evaluated: 2024-12-26. Review status: criteria provided, single submitter. Criteria: ACMG Guidelines, 2015. Collection method: clinical testing. Allele origin: germline. Observed: 15 variant alleles.
Comment: BA1, BP4, BP7

Illumina Laboratory Services, Illumina
Classification: Benign for Niemann-Pick disease type C1. Last evaluated: 2018-01-13. Review status: criteria provided, single submitter. Criteria: ICSL Variant Classification Criteria 13 December 2019. Collection method: clinical testing. Allele origin: germline.
Comment: This variant was observed in the ICSL laboratory as part of a predisposition screen in an ostensibly healthy population. It had not been previously curated by ICSL or reported in the Human Gene Mutation Database (HGMD: prior to June 1st, 2018), and was therefore a candidate for classification through an automated scoring system. Utilizing variant allele frequency, disease prevalence and penetrance estimates, and inheritance mode, an automated score was calculated to assess if this variant is too frequent to cause the disease. Based on the score and internal cut-off values, a variant classified as benign is not then subjected to further curation. The score for this variant resulted in a classification of benign for this disease.

GeneDx
Classification: Benign. Last evaluated: 2015-03-03. Review status: criteria provided, single submitter. Criteria: GeneDx Variant Classification Process June 2021. Collection method: clinical testing. Allele origin: germline. Affected: yes.

Breakthrough Genomics
Classification: Benign. Review status: criteria provided, single submitter. Criteria: ACMG Guidelines, 2015. Collection method: not provided. Allele origin: germline. Inheritance: Autosomal recessive inheritance. Affected: yes.

Natera, Inc.
Classification: Benign for Niemann-Pick disease type C1. Last evaluated: 2020-09-16. Review status: no assertion criteria provided. Collection method: clinical testing. Allele origin: germline. Not counted in ClinVar's aggregate classification.

Clinical Genetics, Academic Medical Center
Classification: Benign. Review status: no assertion criteria provided. Collection method: clinical testing. Allele origin: germline. Affected: yes. Study: VKGL Data-share Consensus. Not counted in ClinVar's aggregate classification.

Genome Diagnostics Laboratory, Amsterdam University Medical Center
Classification: Likely benign. Review status: no assertion criteria provided. Collection method: clinical testing. Allele origin: germline. Affected: yes. Study: VKGL Data-share Consensus. Not counted in ClinVar's aggregate classification.

Literature cited by the submitters: PubMed 28222799 (cited by Mayo Clinic Laboratories, Mayo Clinic).

NM_000271.5(NPC1):c.966C>T (p.Ser322=)

Gene: NPC1 (NPC intracellular cholesterol transporter 1; minus strand). Cytogenetic location: 18q11.2.
Variant type: single nucleotide variant.
Coding change: c.966C>T on transcript NM_000271.5 (MANE Select); coding-DNA position 966, C replaced by T.
Protein change: p.Ser322=; no amino-acid change (serine 322 retained).
Molecular consequence: synonymous variant.
Genome position (GRCh38, 1-based): chr18:23,556,603, G>A on the plus strand (C>T on the coding strand, the complement: NPC1 is on the minus strand). VCF-style: chr18-23556603-G-A. GRCh37 (hg19) VCF-style: chr18-21136567-G-A.
Other names: p.Ser322=.
Identifiers: ClinVar variation 326274 (VCV000326274.21), dbSNP rs61731965, ClinGen allele CA8913561.